The following is an entry in ClinVar:

ClinVar aggregate classification (germline): Likely benign (1 of 4 stars; one submission).

Allele frequency attached by ClinVar (database versions not stated): gnomAD exomes below 0.00001; TOPMed below 0.00001; ExAC 0.00001.
gnomAD v4.1: 2 of 1,614,014 alleles (0.00012%); highest among the groups gnomAD compares: Non-Finnish European, 0.00017%; no homozygotes.

Submission:

GeneDx
Classification: Likely benign. Last evaluated: 2018-05-25. Review status: criteria provided, single submitter. Criteria: GeneDx Variant Classification (06012015). Collection method: clinical testing. Allele origin: germline. Affected: yes.
Comment: This variant is considered likely benign or benign based on one or more of the following criteria: it is a conservative change, it occurs at a poorly conserved position in the protein, it is predicted to be benign by multiple in silico algorithms, and/or has population frequency not consistent with disease.

NM_015340.4(LARS2):c.1302A>G (p.Arg434=)

Genes: LARS2 (leucyl-tRNA synthetase 2, mitochondrial; plus strand), LARS2-AS1 (LARS2 antisense RNA 1; minus strand). Cytogenetic location: 3p21.31.
Variant type: single nucleotide variant.
Coding change: c.1302A>G on transcript NM_015340.4 (MANE Select); coding-DNA position 1302, A replaced by G.
Protein change: p.Arg434=; no amino-acid change (arginine 434 retained).
Molecular consequence: synonymous variant.
Genome position (GRCh38, 1-based): chr3:45,491,579, A>G. VCF-style: chr3-45491579-A-G. GRCh37 (hg19) VCF-style: chr3-45533071-A-G.
Other names: c.1302A>G, p.Arg434= (NM_001368263.1).
Identifiers: ClinVar variation 668212 (VCV000668212.1), dbSNP rs774454500, ClinGen allele CA2349578.